The following is an entry in ClinVar:

NM_004357.5(CD151):c.616-3C>T

Gene: CD151 (CD151 molecule (Raph blood group); plus strand). Cytogenetic location: 11p15.5.
Variant type: single nucleotide variant.
Coding change: c.616-3C>T on transcript NM_004357.5 (MANE Select); 3 bases into the intron before coding-DNA position 616, C replaced by T.
Molecular consequence: intron variant.
Genome position (GRCh38, 1-based): chr11:837,939, C>T. VCF-style: chr11-837939-C-T. GRCh37 (hg19) VCF-style: chr11-837939-C-T.
Other names: c.616-3C>T (NM_139030.4, NM_139029.2, NM_001039490.2).
Identifiers: ClinVar variation 3606493 (VCV003606493.2).

ClinVar aggregate classification (germline): Uncertain significance (1 of 4 stars; one submission).

gnomAD v4.1: 12 of 1,610,734 alleles (0.00075%); highest among the groups gnomAD compares: African/African-American, 0.0053%; no homozygotes.

Submission:

Labcorp Genetics (formerly Invitae), Labcorp
Classification: Uncertain significance. Last evaluated: 2024-10-29. Review status: criteria provided, single submitter. Criteria: Invitae Variant Classification Sherloc (09022015). Collection method: clinical testing. Allele origin: germline.
Comment: This sequence change falls in intron 7 of the CD151 gene. It does not directly change the encoded amino acid sequence of the CD151 protein. It affects a nucleotide within the consensus splice site. This variant is not present in population databases (gnomAD no frequency). This variant has not been reported in the literature in individuals affected with CD151-related conditions. Variants that disrupt the consensus splice site are a relatively common cause of aberrant splicing (PMID: 17576681, 9536098). Algorithms developed to predict the effect of sequence changes on RNA splicing suggest that this variant is not likely to affect RNA splicing. In summary, the available evidence is currently insufficient to determine the role of this variant in disease. Therefore, it has been classified as a Variant of Uncertain Significance.

Literature cited by the submitters: PubMed 17576681; PubMed 9536098.